The following is an entry in ClinVar:

ClinVar aggregate classification (germline): Uncertain significance (1 of 4 stars; one submission).

Conditions:
Combined oxidative phosphorylation defect type 17. Also called: Combined oxidative phosphorylation deficiency 17. Identifiers: Orphanet 369913, MedGen C3809526, MONDO:0014190, OMIM 615440.

Submission:

Labcorp Genetics (formerly Invitae), Labcorp
Classification: Uncertain significance for Combined oxidative phosphorylation defect type 17. Last evaluated: 2023-03-08. Review status: criteria provided, single submitter. Criteria: Invitae Variant Classification Sherloc (09022015). Collection method: clinical testing. Allele origin: germline.
Comment: In summary, the available evidence is currently insufficient to determine the role of this variant in disease. Therefore, it has been classified as a Variant of Uncertain Significance. Variants that disrupt the consensus splice site are a relatively common cause of aberrant splicing (PMID: 17576681, 9536098). Algorithms developed to predict the effect of sequence changes on RNA splicing suggest that this variant may disrupt the consensus splice site. ClinVar contains an entry for this variant (Variation ID: 1468384). This variant has not been reported in the literature in individuals affected with ELAC2-related conditions. This variant is not present in population databases (gnomAD no frequency). This sequence change affects codon 406 of the ELAC2 mRNA. It is a 'silent' change, meaning that it does not change the encoded amino acid sequence of the ELAC2 protein. This variant also falls at the last nucleotide of exon 13, which is part of the consensus splice site for this exon.

Literature cited by the submitters: PubMed 17576681; PubMed 9536098.

NM_018127.7(ELAC2):c.1218G>A (p.Lys406=)

Gene: ELAC2 (elaC ribonuclease Z 2; minus strand). Cytogenetic location: 17p12.
Variant type: single nucleotide variant.
Coding change: c.1218G>A on transcript NM_018127.7 (MANE Select); coding-DNA position 1218, G replaced by A.
Protein change: p.Lys406=; no amino-acid change (lysine 406 retained).
Molecular consequence: synonymous variant.
Genome position (GRCh38, 1-based): chr17:13,002,441, C>T on the plus strand (G>A on the coding strand, the complement: ELAC2 is on the minus strand). VCF-style: chr17-13002441-C-T. GRCh37 (hg19) VCF-style: chr17-12905758-C-T.
Other names: c.1098G>A, p.Lys366= (NM_001165962.2); c.1218G>A, p.Lys406= (NM_173717.2).
Identifiers: ClinVar variation 1468384 (VCV001468384.6), dbSNP rs777546567, ClinGen allele CA498410866.
Genomic context (GRCh38, chr17:13,002,441, plus strand): 5'-CATGGAGAGAAAGAGAGGGGACGAGAGCTGGGCCGACAAGGGGCCGGTCTGAGACACTAC[C>T]TTACAGCGGAAACTGGTGAGCAGGGGGAAGATGTCCGGGTGGATGAGGTTGAGCTGGGTT-3'
Protein context (NP_060597.4, residues 396-416): IFPLLTSFRC[Lys406=]KEGPTLSVPM